The following is an entry in ClinVar:

NM_024537.4(CARS2):c.466-1G>A

Gene: CARS2 (cysteinyl-tRNA synthetase 2, mitochondrial; minus strand). Cytogenetic location: 13q34.
Variant type: single nucleotide variant.
Coding change: c.466-1G>A on transcript NM_024537.4 (MANE Select); the canonical splice acceptor site of the intron before coding-DNA position 466, G replaced by A.
Molecular consequence: splice acceptor variant.
Genome position (GRCh38, 1-based): chr13:110,687,827, C>T on the plus strand (G>A on the coding strand, the complement: CARS2 is on the minus strand). VCF-style: chr13-110687827-C-T. GRCh37 (hg19) VCF-style: chr13-111340174-C-T.
Other names: c.-534-1G>A (NM_001352252.2); c.466-1G>A (NM_001352253.3).
Identifiers: ClinVar variation 1481906 (VCV001481906.8), dbSNP rs770282381, ClinGen allele CA7052231.

ClinVar aggregate classification (germline): Uncertain significance (1 of 4 stars; one submission).

Conditions:
Combined oxidative phosphorylation defect type 27. Also called: Combined oxidative phosphorylation deficiency 27. Identifiers: Orphanet 477774, MedGen C5567608, MONDO:0014728, OMIM 616672.

Allele frequency attached by ClinVar (database versions not stated): gnomAD exomes below 0.00001 and 0.00001; ExAC 0.00001.
gnomAD v4.1: 3 of 1,603,032 alleles (0.00019%); highest among the groups gnomAD compares: South Asian, 0.0033%; no homozygotes.

Submission:

Labcorp Genetics (formerly Invitae), Labcorp
Classification: Uncertain significance for Combined oxidative phosphorylation defect type 27. Last evaluated: 2020-12-08. Review status: criteria provided, single submitter. Criteria: Invitae Variant Classification Sherloc (09022015). Collection method: clinical testing. Allele origin: germline.
Comment: This variant is present in population databases (rs770282381, ExAC 0.006%). This sequence change affects an acceptor splice site in intron 4 of the CARS2 gene. It is expected to disrupt RNA splicing. Variants that disrupt the donor or acceptor splice site typically lead to a loss of protein function (PMID: 16199547), however the current clinical and genetic evidence is not sufficient to establish whether loss-of-function variants in CARS2 cause disease. This variant has not been reported in the literature in individuals with CARS2-related conditions. In summary, the available evidence is currently insufficient to determine the role of this variant in disease. Therefore, it has been classified as a Variant of Uncertain Significance. Algorithms developed to predict the effect of sequence changes on RNA splicing suggest that this variant may disrupt the consensus splice site, but this prediction has not been confirmed by published transcriptional studies.

Literature cited by the submitters: PubMed 16199547.